The following is an entry in ClinVar:

NM_005157.6(ABL1):c.1627G>C (p.Asp543His)

Gene: ABL1 (ABL proto-oncogene 1, non-receptor tyrosine kinase; plus strand). Cytogenetic location: 9q34.12.
Variant type: single nucleotide variant.
Coding change: c.1627G>C on transcript NM_005157.6 (MANE Select); coding-DNA position 1627, G replaced by C.
Protein change: p.Asp543His; replaces aspartic acid 543 with histidine.
Molecular consequence: missense variant.
Genome position (GRCh38, 1-based): chr9:130,880,613, G>C. VCF-style: chr9-130880613-G-C. GRCh37 (hg19) VCF-style: chr9-133756000-G-C.
Other names: c.1684G>C, p.Asp562His (NM_007313.3); short protein forms D543H, D562H.
Identifiers: ClinVar variation 3767504 (VCV003767504.1).

ClinVar aggregate classification (germline): Uncertain significance (1 of 4 stars; one submission).

Submission:

GeneDx
Classification: Uncertain significance. Last evaluated: 2024-09-06. Review status: criteria provided, single submitter. Criteria: GeneDx Variant Classification Process June 2021. Collection method: clinical testing. Allele origin: germline. Affected: yes.
Comment: Not observed at significant frequency in large population cohorts (gnomAD); In silico analysis indicates that this missense variant does not alter protein structure/function; Has not been previously published as pathogenic or benign to our knowledge